The following is an entry in ClinVar:

ClinVar aggregate classification (germline): Pathogenic (1 of 4 stars; one submission).

Conditions:
Peroxisome biogenesis disorder 11A (Zellweger). Also called: Peroxisome biogenesis disorder 11A. Identifiers: Orphanet 912, MedGen C3554000, MONDO:0013949, OMIM 614883.

Submission:

Labcorp Genetics (formerly Invitae), Labcorp
Classification: Pathogenic for Peroxisome biogenesis disorder 11A (Zellweger). Last evaluated: 2022-09-18. Review status: criteria provided, single submitter. Criteria: Invitae Variant Classification Sherloc (09022015). Collection method: clinical testing. Allele origin: germline.
Comment: This sequence change creates a premature translational stop signal (p.Trp211*) in the PEX13 gene. It is expected to result in an absent or disrupted protein product. Loss-of-function variants in PEX13 are known to be pathogenic (PMID: 10332040, 21031596). This variant is not present in population databases (gnomAD no frequency). This variant has not been reported in the literature in individuals affected with PEX13-related conditions. For these reasons, this variant has been classified as Pathogenic.

Literature cited by the submitters: PubMed 10332040; PubMed 21031596.

NM_002618.4(PEX13):c.633G>A (p.Trp211Ter)

Gene: PEX13 (peroxisomal biogenesis factor 13; plus strand). Cytogenetic location: 2p15.
Variant type: single nucleotide variant.
Coding change: c.633G>A on transcript NM_002618.4 (MANE Select); coding-DNA position 633, G replaced by A.
Protein change: p.Trp211Ter; replaces tryptophan 211 with a stop codon.
Molecular consequence: nonsense.
Genome position (GRCh38, 1-based): chr2:61,031,959, G>A. VCF-style: chr2-61031959-G-A. GRCh37 (hg19) VCF-style: chr2-61259094-G-A.
Other names: short protein forms W211*.
Identifiers: ClinVar variation 2031148 (VCV002031148.4), dbSNP rs2467508461, ClinGen allele CA346944140.